The following is an entry in ClinVar:

ClinVar aggregate classification (germline): Uncertain significance (1 of 4 stars; one submission).

Submission:

GeneDx
Classification: Uncertain significance. Last evaluated: 2023-04-09. Review status: criteria provided, single submitter. Criteria: GeneDx Variant Classification Process June 2021. Collection method: clinical testing. Allele origin: germline. Affected: yes.
Comment: Not observed at significant frequency in large population cohorts (gnomAD); In silico analysis supports that this missense variant has a deleterious effect on protein structure/function; Has not been previously published as pathogenic or benign to our knowledge

NM_198503.5(KCNT2):c.2531A>G (p.Asn844Ser)

Gene: KCNT2 (potassium sodium-activated channel subfamily T member 2; minus strand). Cytogenetic location: 1q31.3.
Variant type: single nucleotide variant.
Coding change: c.2531A>G on transcript NM_198503.5 (MANE Select); coding-DNA position 2531, A replaced by G.
Protein change: p.Asn844Ser; replaces asparagine 844 with serine.
Molecular consequence: missense variant. On other transcripts: non-coding transcript variant (2).
Genome position (GRCh38, 1-based): chr1:196,305,298, T>C on the plus strand (A>G on the coding strand, the complement: KCNT2 is on the minus strand). VCF-style: chr1-196305298-T-C. GRCh37 (hg19) VCF-style: chr1-196274428-T-C.
Other names: c.2459A>G, p.Asn820Ser (NM_001287819.3); c.2309A>G, p.Asn770Ser (NM_001287820.3); short protein forms N770S, N820S, N844S.
Identifiers: ClinVar variation 3343004 (VCV003343004.1).